The following is an entry in ClinVar:

ClinVar aggregate classification (germline): Uncertain significance (1 of 4 stars; one submission).

Conditions:
Hereditary breast ovarian cancer syndrome. Also called: Hereditary breast and ovarian cancer syndrome (HBOC); Hereditary breast and ovarian cancer; Breast and ovarian cancer; Hereditary breast and/or ovarian cancer syndrome; BRCA1- and BRCA2-Associated Hereditary Breast and Ovarian Cancer; Hereditary breast and ovarian cancer syndrome. Identifiers: Orphanet 145, MedGen C0677776, MeSH D061325, MONDO:0003582. Disease mechanism: loss of function.

gnomAD v4.1: 1 of 1,605,254 alleles (0.000062%); no homozygotes.

Submission:

Labcorp Genetics (formerly Invitae), Labcorp
Classification: Uncertain significance for Hereditary breast ovarian cancer syndrome. Last evaluated: 2025-10-29. Review status: criteria provided, single submitter. Criteria: Invitae Variant Classification Sherloc (09022015). Collection method: clinical testing. Allele origin: germline.
Comment: This sequence change replaces valine, which is neutral and non-polar, with isoleucine, which is neutral and non-polar, at codon 276 of the BRCA2 protein (p.Val276Ile). This variant is present in population databases (no rsID available, gnomAD 0.0009%). This variant has not been reported in the literature in individuals affected with BRCA2-related conditions. Invitae Evidence Modeling of protein sequence and biophysical properties (such as structural, functional, and spatial information, amino acid conservation, physicochemical variation, residue mobility, and thermodynamic stability) indicates that this missense variant is not expected to disrupt BRCA2 protein function with a negative predictive value of 95%. In summary, the available evidence is currently insufficient to determine the role of this variant in disease. Therefore, it has been classified as a Variant of Uncertain Significance.

NM_000059.4(BRCA2):c.826G>A (p.Val276Ile)

Gene: BRCA2 (BRCA2 DNA repair associated; plus strand). Cytogenetic location: 13q13.1.
Variant type: single nucleotide variant.
Coding change: c.826G>A on transcript NM_000059.4 (MANE Select); coding-DNA position 826, G replaced by A.
Protein change: p.Val276Ile; replaces valine 276 with isoleucine.
Molecular consequence: missense variant. On other transcripts: non-coding transcript variant (1), intron variant (1).
Genome position (GRCh38, 1-based): chr13:32,332,304, G>A. VCF-style: chr13-32332304-G-A. GRCh37 (hg19) VCF-style: chr13-32906441-G-A.
Other names: c.826G>A, p.Val276Ile (NM_001406719.1, NM_001406720.1, NM_001406721.1 and 1 more transcripts); c.424+1274G>A (NM_001406722.1); short protein forms V276I.
Identifiers: ClinVar variation 4802266 (VCV004802266.1).
Genomic context (GRCh38, chr13:32,332,304, plus strand): 5'-AATGTGCTTCTGTTTTATACTTTAACAGGATTTGGAAAAACATCAGGGAATTCATTTAAA[G>A]TAAATAGCTGCAAAGACCACATTGGAAAGTCAATGCCAAATGTCCTAGAAGATGAAGTAT-3'
Protein context (NP_000050.3, residues 266-286): FGKTSGNSFK[Val276Ile]NSCKDHIGKS